The following is an entry in ClinVar:

ClinVar aggregate classification (germline): Conflicting classifications of pathogenicity. Review status: criteria provided, conflicting classifications (1 of 4 stars). 5 submissions from 5 submitters: Uncertain significance (4); Likely benign (1). Last evaluated 2025-11-04.

Conditions:
Hereditary cancer-predisposing syndrome. Also called: Tumor predisposition; Hereditary Cancer Syndrome; Hereditary neoplastic syndrome; Neoplastic Syndromes, Hereditary. Identifiers: Orphanet 140162, MedGen C0027672, MeSH D009386, MONDO:0015356.
Familial cancer of breast. Also called: BREAST CANCER, FAMILIAL; Hereditary breast cancer; hereditary breast carcinoma. Identifiers: Orphanet 227535, MedGen C0346153, MONDO:0016419, OMIM 114480. Disease mechanism: loss of function.

Submissions (5):

Labcorp Genetics (formerly Invitae), Labcorp
Classification: Uncertain significance for Familial cancer of breast. Last evaluated: 2025-11-04. Review status: criteria provided, single submitter. Criteria: Invitae Variant Classification Sherloc (09022015). Collection method: clinical testing. Allele origin: germline.
Comment: This sequence change replaces cysteine, which is neutral and slightly polar, with tryptophan, which is neutral and slightly polar, at codon 469 of the PALB2 protein (p.Cys469Trp). This variant is not present in population databases (gnomAD no frequency). This variant has not been reported in the literature in individuals affected with PALB2-related conditions. ClinVar contains an entry for this variant (Variation ID: 182761). Invitae Evidence Modeling of protein sequence and biophysical properties (such as structural, functional, and spatial information, amino acid conservation, physicochemical variation, residue mobility, and thermodynamic stability) indicates that this missense variant is not expected to disrupt PALB2 protein function with a negative predictive value of 80%. In summary, the available evidence is currently insufficient to determine the role of this variant in disease. Therefore, it has been classified as a Variant of Uncertain Significance.

Ambry Genetics
Classification: Likely benign for Hereditary cancer-predisposing syndrome. Last evaluated: 2024-03-27. Review status: criteria provided, single submitter. Criteria: Ambry Variant Classification Scheme 2023. Collection method: clinical testing. Allele origin: germline.

Color Diagnostics, LLC DBA Color Health
Classification: Uncertain significance for Hereditary cancer-predisposing syndrome. Last evaluated: 2024-03-06. Review status: criteria provided, single submitter. Criteria: ACMG Guidelines, 2015. Collection method: clinical testing. Allele origin: germline.
Comment: This missense variant replaces cysteine with tryptophan at codon 469 of the PALB2 protein. Computational prediction is inconclusive regarding the impact of this variant on protein structure and function (internally defined REVEL score threshold 0.5 < inconclusive < 0.7, PMID: 27666373). To our knowledge, functional studies have not been reported for this variant. This variant has not been reported in individuals affected with hereditary cancer in the literature. This variant has not been identified in the general population by the Genome Aggregation Database (gnomAD). The available evidence is insufficient to determine the role of this variant in disease conclusively. Therefore, this variant is classified as a Variant of Uncertain Significance.

Institute of Human Genetics, University of Leipzig Medical Center
Classification: Uncertain significance for Familial cancer of breast. Last evaluated: 2022-04-27. Review status: criteria provided, single submitter. Criteria: ACMG Guidelines, 2015. Collection method: clinical testing. Allele origin: unknown. Affected: yes.
Comment: _x000D_ Criteria applied: PM2_SUP, BP4

GeneDx
Classification: Uncertain significance. Last evaluated: 2014-09-30. Review status: criteria provided, single submitter. Criteria: GeneDx Variant Classification (06012015). Collection method: clinical testing. Allele origin: germline. Affected: yes.
Comment: This variant is denoted PALB2 c.1407C>G at the cDNA level, p.Cys469Trp (C469W) at the protein level, and results in the change of a Cysteine to a Tryptophan (TGC>TGG). This variant has not, to our knowledge, been published in the literature as pathogenic or benign. PALB2 Cys469Trp was not observed in approximately 6,500 individuals of European and African American ancestry in the NHLBI Exome Sequencing Project, indicating it is not a common benign variant in these populations. Since Cysteine and Tryptophan differ in polarity, charge, size or other properties, this is considered a non-conservative amino acid substitution. PALB2 Cys469Trp occurs at a position that is poorly conserved across species and is located in DNA binding domain (UniProt). In silico analyses predict that this variant is unlikely to alter protein structure or function. Based on currently available information, it is unclear whether PALB2 Cys469Trp is pathogenic or benign. We consider it to be a variant of uncertain significance.

NM_024675.4(PALB2):c.1407C>G (p.Cys469Trp)

Gene: PALB2 (partner and localizer of BRCA2; minus strand). Cytogenetic location: 16p12.2.
Variant type: single nucleotide variant.
Coding change: c.1407C>G on transcript NM_024675.4 (MANE Select); coding-DNA position 1407, C replaced by G.
Protein change: p.Cys469Trp; replaces cysteine 469 with tryptophan.
Molecular consequence: missense variant.
Genome position (GRCh38, 1-based): chr16:23,635,139, G>C on the plus strand (C>G on the coding strand, the complement: PALB2 is on the minus strand). VCF-style: chr16-23635139-G-C. GRCh37 (hg19) VCF-style: chr16-23646460-G-C.
Other names: p.C469W:TGC>TGG; short protein forms C469W.
Identifiers: ClinVar variation 182761 (VCV000182761.20), dbSNP rs730881883, ClinGen allele CA299710.